The following is an entry in ClinVar:

NM_000540.3(RYR1):c.5276G>A (p.Arg1759Gln)

Gene: RYR1 (ryanodine receptor 1; plus strand). Cytogenetic location: 19q13.2.
Variant type: single nucleotide variant.
Coding change: c.5276G>A on transcript NM_000540.3 (MANE Select); coding-DNA position 5276, G replaced by A.
Protein change: p.Arg1759Gln; replaces arginine 1759 with glutamine.
Molecular consequence: missense variant.
Genome position (GRCh38, 1-based): chr19:38,485,931, G>A. VCF-style: chr19-38485931-G-A. GRCh37 (hg19) VCF-style: chr19-38976571-G-A.
Other names: c.5276G>A, p.Arg1759Gln (NM_001042723.2); short protein forms R1759Q.
Identifiers: ClinVar variation 1444529 (VCV001444529.5), dbSNP rs765080138, ClinGen allele CA066838.

ClinVar aggregate classification (germline): Uncertain significance. Review status: criteria provided, multiple submitters, no conflicts (2 of 4 stars). 3 submissions from 3 submitters: Uncertain significance (3). Last evaluated 2024-07-20.

Conditions:
RYR1-related disorder. Also called: RYR1-related condition; RYR1-related disorders. Identifiers: MedGen CN239331.
Malignant hyperthermia, susceptibility to, 1 (MHS1). Also called: RYR1-Related Malignant Hyperthermia Susceptibility; Malignant hyperthermia suceptibility 1; Anesthesia related hyperthermia; Malignant hyperpyrexia; Fulminating hyperpyrexia; Pharmacogenic myopathy. Identifiers: Orphanet 423, MedGen C2930980, MONDO:0007783, OMIM 145600.

Allele frequency attached by ClinVar (database versions not stated): gnomAD exomes below 0.00001; ExAC 0.00001; gnomAD 0.00001.
gnomAD v4.1: 14 of 1,613,582 alleles (0.00087%); highest among the groups gnomAD compares: Non-Finnish European, 0.00093%; no homozygotes.

Submissions (3):

All of Us Research Program, National Institutes of Health
Classification: Uncertain significance for Malignant hyperthermia, susceptibility to, 1. Last evaluated: 2024-07-20. Review status: criteria provided, single submitter. Criteria: ACMG Guidelines, 2015. Collection method: clinical testing. Allele origin: germline. Inheritance: Autosomal dominant inheritance. Observed: 1 variant allele, 1 heterozygote.
Comment: This missense variant replaces arginine with glutamine at codon 1759 of the RYR1 protein. Computational prediction suggests that this variant may not impact protein structure and function (internally defined REVEL score threshold <= 0.5, PMID: 27666373). To our knowledge, functional studies have not been reported for this variant. This variant has not been reported in individuals affected with RYR1-related disorders in the literature. This variant has been identified in 1/245112 chromosomes in the general population by the Genome Aggregation Database (gnomAD). The available evidence is insufficient to determine the role of this variant in disease conclusively. Therefore, this variant is classified as a Variant of Uncertain Significance.

This study involves interpretation of variants in research participants for the purpose of population health screening. Participant phenotype was not available at the time of variant classification. Additional details can be found in publication PMID: 35346344, PMCID: PMC8962531

Color Diagnostics, LLC DBA Color Health
Classification: Uncertain significance for Malignant hyperthermia, susceptibility to, 1. Last evaluated: 2024-06-25. Review status: criteria provided, single submitter. Criteria: ACMG Guidelines, 2015. Collection method: clinical testing. Allele origin: germline.
Comment: This missense variant replaces arginine with glutamine at codon 1759 of the RYR1 protein. Computational prediction suggests that this variant may not impact protein structure and function. To our knowledge, functional studies have not been reported for this variant. This variant has not been reported in individuals affected with RYR1-related disorders in the literature. This variant has been identified in 1/245112 chromosomes in the general population by the Genome Aggregation Database (gnomAD). The available evidence is insufficient to determine the role of this variant in disease conclusively. Therefore, this variant is classified as a Variant of Uncertain Significance.

Labcorp Genetics (formerly Invitae), Labcorp
Classification: Uncertain significance for RYR1-related disorder. Last evaluated: 2021-11-27. Review status: criteria provided, single submitter. Criteria: Invitae Variant Classification Sherloc (09022015). Collection method: clinical testing. Allele origin: germline.
Comment: This sequence change replaces arginine, which is basic and polar, with glutamine, which is neutral and polar, at codon 1759 of the RYR1 protein (p.Arg1759Gln). This variant is present in population databases (rs765080138, gnomAD 0.01%). This variant has not been reported in the literature in individuals affected with RYR1-related conditions. Advanced modeling of protein sequence and biophysical properties (such as structural, functional, and spatial information, amino acid conservation, physicochemical variation, residue mobility, and thermodynamic stability) performed at Invitae indicates that this missense variant is not expected to disrupt RYR1 protein function. Algorithms developed to predict the effect of sequence changes on RNA splicing suggest that this variant may create or strengthen a splice site. In summary, the available evidence is currently insufficient to determine the role of this variant in disease. Therefore, it has been classified as a Variant of Uncertain Significance.